The following is an entry in ClinVar:

NM_004517.4(ILK):c.757G>C (p.Val253Leu)

Genes: ILK (integrin linked kinase; plus strand), TAF10 (TATA-box binding protein associated factor 10; minus strand). Cytogenetic location: 11p15.4.
Variant type: single nucleotide variant.
Coding change: c.757G>C on transcript NM_004517.4 (MANE Select); coding-DNA position 757, G replaced by C.
Protein change: p.Val253Leu; replaces valine 253 with leucine.
Molecular consequence: missense variant. On other transcripts: 3 prime UTR variant (1).
Genome position (GRCh38, 1-based): chr11:6,609,540, G>C. VCF-style: chr11-6609540-G-C. GRCh37 (hg19) VCF-style: chr11-6630771-G-C.
Other names: c.757G>C, p.Val253Leu (NM_001014794.3, NM_001014795.3); c.574G>C, p.Val192Leu (NM_001278441.2); c.355G>C, p.Val119Leu (NM_001278442.2); c.*1382C>G (NM_006284.4); short protein forms V253L, V119L, V192L.
Identifiers: ClinVar variation 954856 (VCV000954856.10), dbSNP rs1855289433, ClinGen allele CA379462272.

ClinVar aggregate classification (germline): Uncertain significance (1 of 4 stars; one submission).

Conditions:
Primary familial hypertrophic cardiomyopathy (HCM). Identifiers: Orphanet 99739, MedGen C0949658, MeSH D024741, MONDO:0024573. Inheritance: Various modes of inheritance.

Allele frequency attached by ClinVar (database versions not stated): gnomAD exomes below 0.00001; TOPMed below 0.00001; gnomAD 0.00001.
gnomAD v4.1: 3 of 1,613,976 alleles (0.00019%); highest among the groups gnomAD compares: Non-Finnish European, 0.00025%; no homozygotes.

Submission:

Labcorp Genetics (formerly Invitae), Labcorp
Classification: Uncertain significance for Primary familial hypertrophic cardiomyopathy. Last evaluated: 2019-09-02. Review status: criteria provided, single submitter. Criteria: Invitae Variant Classification Sherloc (09022015). Collection method: clinical testing. Allele origin: germline.
Comment: In summary, the available evidence is currently insufficient to determine the role of this variant in disease. Therefore, it has been classified as a Variant of Uncertain Significance. Algorithms developed to predict the effect of missense changes on protein structure and function (SIFT, PolyPhen-2, Align-GVGD) all suggest that this variant is likely to be tolerated, but these predictions have not been confirmed by published functional studies and their clinical significance is uncertain. This variant has not been reported in the literature in individuals with ILK-related conditions. This variant is not present in population databases (ExAC no frequency). This sequence change replaces valine with leucine at codon 253 of the ILK protein (p.Val253Leu). The valine residue is highly conserved and there is a small physicochemical difference between valine and leucine.